The following is an entry in ClinVar:

ClinVar aggregate classification (germline): Conflicting classifications of pathogenicity. Review status: criteria provided, conflicting classifications (1 of 4 stars). 18 submissions from 18 submitters: Uncertain significance (1); Benign (2); Likely benign (13). 2 of the submissions do not count toward it. Last evaluated 2026-06-01.

Conditions:
Connective tissue disorder. Also called: Connective tissue disease. Identifiers: MedGen C0009782, MONDO:0003900.
Aortic aneurysm, familial thoracic 4 (AAT4). Also called: AORTIC ANEURYSM/AORTIC DISSECTION AND PATENT DUCTUS ARTERIOSUS. Identifiers: MedGen C1851504, MONDO:0007568, OMIM 132900.
Familial thoracic aortic aneurysm and aortic dissection (TAAD). Also called: Thoracic aortic aneurysms and dissections. Identifiers: Orphanet 91387, MedGen C4707243, MONDO:0019625.

Allele frequency attached by ClinVar (database versions not stated): ESP Exome Variant Server 0.00031; TOPMed 0.00034; gnomAD 0.00052 and 0.00056.
gnomAD v4.1: 769 of 1,614,074 alleles (0.048%); highest among the groups gnomAD compares: Non-Finnish European, 0.058%; 1 homozygote.

Submissions (18):

CeGaT Center for Human Genetics Tuebingen
Classification: Likely benign. Last evaluated: 2026-06-01. Review status: criteria provided, single submitter. Criteria: CeGaT Center For Human Genetics Tuebingen Variant Classification Criteria Version 2. Collection method: clinical testing. Allele origin: germline. Affected: yes. Observed: 21 variant alleles.
Comment: MYH11: BP4

Labcorp Genetics (formerly Invitae), Labcorp
Classification: Likely benign for Aortic aneurysm, familial thoracic 4. Last evaluated: 2026-02-01. Review status: criteria provided, single submitter. Criteria: Invitae Variant Classification Sherloc (09022015). Collection method: clinical testing. Allele origin: germline.

Laboratory of Genetics, Children's Clinical University Hospital Latvia
Classification: Likely benign. Last evaluated: 2025-02-16. Review status: criteria provided, single submitter. Criteria: ACMG Guidelines, 2015. Collection method: clinical testing. Allele origin: germline. Affected: yes.

Blueprint Genetics
Classification: Likely benign. Last evaluated: 2024-11-23. Review status: criteria provided, single submitter. Criteria: ACMG Guidelines, 2015. Collection method: clinical testing. Allele origin: germline.

Mayo Clinic Laboratories, Mayo Clinic
Classification: Likely benign. Last evaluated: 2024-08-24. Review status: criteria provided, single submitter. Criteria: ACMG Guidelines, 2015. Collection method: clinical testing. Allele origin: germline. Observed: 3 variant alleles.
Comment: BS1, BP4, BP7

All of Us Research Program, National Institutes of Health
Classification: Likely benign for Familial thoracic aortic aneurysm and aortic dissection. Last evaluated: 2024-02-05. Review status: criteria provided, single submitter. Criteria: ACMG Guidelines, 2015. Collection method: clinical testing. Allele origin: germline. Inheritance: Autosomal dominant inheritance. Observed: 177 variant alleles, 177 heterozygotes.
Comment: This study involves interpretation of variants in research participants for the purpose of population health screening. Participant phenotype was not available at the time of variant classification. Additional details can be found in publication PMID: 35346344, PMCID: PMC8962531

ARUP Laboratories, Molecular Genetics and Genomics, ARUP Laboratories
Classification: Likely benign. Last evaluated: 2023-10-30. Review status: criteria provided, single submitter. Criteria: ARUP Molecular Germline Variant Investigation Process 2024. Collection method: clinical testing. Allele origin: germline.

CHEO Genetics Diagnostic Laboratory, Children's Hospital of Eastern Ontario
Classification: Likely benign for Familial thoracic aortic aneurysm and aortic dissection. Last evaluated: 2021-01-21. Review status: criteria provided, single submitter. Criteria: ACMG Guidelines, 2015. Collection method: clinical testing. Allele origin: germline. Study: Canadian Open Genetics Repository.

Women's Health and Genetics/Laboratory Corporation of America, LabCorp
Classification: Benign. Last evaluated: 2020-12-29. Review status: criteria provided, single submitter. Criteria: LabCorp Variant Classification Summary - May 2015. Collection method: clinical testing. Allele origin: germline.
Comment: Variant summary: MYH11 c.429G>A alters a non-conserved nucleotide resulting in a synonymous change. 3/4 computational tools predict no significant impact on normal splicing. However, these predictions have yet to be confirmed by functional studies. The variant allele was found at a frequency of 0.00042 in 251490 control chromosomes. The observed variant frequency is approximately 33.7-fold the estimated maximal expected allele frequency for a pathogenic variant in MYH11 causing Thoracic Aortic Aneurysms And Dissections phenotype (1.3e-05), strongly suggesting that the variant is benign. To our knowledge, no occurrence of c.429G>A in individuals affected with Thoracic Aortic Aneurysms And Dissections and no experimental evidence demonstrating its impact on protein function have been reported. Eight clinical diagnostic laboratories have submitted clinical-significance assessments for this variant to ClinVar after 2014 without evidence for independent evaluation, citing the variant as likely benign (n=7) and uncertain significance (n=1). Based on the evidence outlined above, the variant was classified as benign.

Institute of Human Genetics, University of Leipzig Medical Center
Classification: Likely benign for Aortic aneurysm, familial thoracic 4. Last evaluated: 2019-01-01. Review status: criteria provided, single submitter. Criteria: ACMG Guidelines, 2015. Collection method: clinical testing. Allele origin: unknown. Affected: yes.

Color Diagnostics, LLC DBA Color Health
Classification: Likely benign for Familial thoracic aortic aneurysm and aortic dissection. Last evaluated: 2018-06-04. Review status: criteria provided, single submitter. Criteria: ACMG Guidelines, 2015. Collection method: clinical testing. Allele origin: germline.

Illumina Laboratory Services, Illumina
Classification: Uncertain significance for Aortic aneurysm, familial thoracic 4. Last evaluated: 2018-01-13. Review status: criteria provided, single submitter. Criteria: ICSL Variant Classification Criteria 13 December 2019. Collection method: clinical testing. Allele origin: germline.

Center for Human Genetics, Inc
Classification: Likely benign for Connective tissue disorder. Last evaluated: 2016-11-01. Review status: criteria provided, single submitter. Criteria: ACMG Guidelines, 2015. Collection method: clinical testing. Allele origin: germline. Affected: yes.

Ambry Genetics
Classification: Likely benign for Familial thoracic aortic aneurysm and aortic dissection. Last evaluated: 2015-09-09. Review status: criteria provided, single submitter. Criteria: Ambry Variant Classification Scheme 2023. Collection method: clinical testing. Allele origin: germline.

GeneDx
Classification: Benign. Last evaluated: 2015-03-03. Review status: criteria provided, single submitter. Criteria: GeneDx Variant Classification Process June 2021. Collection method: clinical testing. Allele origin: germline. Affected: yes.

PreventionGenetics, part of Exact Sciences
Classification: Likely benign. Review status: criteria provided, single submitter. Criteria: ACMG Guidelines, 2015. Collection method: clinical testing. Allele origin: germline.

Clinical Genetics DNA and cytogenetics Diagnostics Lab, Erasmus MC, Erasmus Medical Center
Classification: Likely benign. Review status: no assertion criteria provided. Collection method: clinical testing. Allele origin: germline. Affected: yes. Study: VKGL Data-share Consensus. Not counted in ClinVar's aggregate classification.

Genome Diagnostics Laboratory, University Medical Center Utrecht
Classification: Likely benign. Review status: no assertion criteria provided. Collection method: clinical testing. Allele origin: germline. Affected: yes. Study: VKGL Data-share Consensus. Not counted in ClinVar's aggregate classification.

NM_002474.3(MYH11):c.429G>A (p.Lys143=)

Gene: MYH11 (myosin heavy chain 11; minus strand). Cytogenetic location: 16p13.11.
Variant type: single nucleotide variant.
Coding change: c.429G>A on transcript NM_002474.3 (MANE Select); coding-DNA position 429, G replaced by A.
Protein change: p.Lys143=; no amino-acid change (lysine 143 retained).
Molecular consequence: synonymous variant.
Genome position (GRCh38, 1-based): chr16:15,823,328, C>T on the plus strand (G>A on the coding strand, the complement: MYH11 is on the minus strand). VCF-style: chr16-15823328-C-T. GRCh37 (hg19) VCF-style: chr16-15917185-C-T.
Other names: p.Lys143=; c.429G>A, p.Lys143= (NM_001040113.2, NM_001040114.2, NM_022844.3).
Identifiers: ClinVar variation 238261 (VCV000238261.74), dbSNP rs200672270, ClinGen allele CA7923049.